The following is an entry in ClinVar:

NM_000090.4(COL3A1):c.2607T>A (p.Pro869=)

Gene: COL3A1 (collagen type III alpha 1 chain; plus strand). Cytogenetic location: 2q32.2.
Variant type: single nucleotide variant.
Coding change: c.2607T>A on transcript NM_000090.4 (MANE Select); coding-DNA position 2607, T replaced by A.
Protein change: p.Pro869=; no amino-acid change (proline 869 retained).
Molecular consequence: synonymous variant.
Genome position (GRCh38, 1-based): chr2:189,003,464, T>A. VCF-style: chr2-189003464-T-A. GRCh37 (hg19) VCF-style: chr2-189868190-T-A.
Identifiers: ClinVar variation 263465 (VCV000263465.23), dbSNP rs376643618, ClinGen allele CA075454.
Genomic context (GRCh38, chr2:189,003,464, plus strand): 5'-CATATAGGGTCCTCCTGGTCCCCAAGGTGTCAAAGGTGAACGTGGCAGTCCTGGTGGACC[T>A]GTAAGTATTGATCCTCTTAACTATTATTGAAAAGCATTAATTGATATCAACCTGTATAAA-3'
Protein context (NP_000081.2, residues 859-879): VKGERGSPGG[Pro869=]GAAGFPGARG

ClinVar aggregate classification (germline): Conflicting classifications of pathogenicity. Review status: criteria provided, conflicting classifications (1 of 4 stars). 9 submissions from 9 submitters: Uncertain significance (4); Benign (2); Likely benign (3). Last evaluated 2025-11-04.

Conditions:
Familial thoracic aortic aneurysm and aortic dissection (TAAD). Also called: Thoracic aortic aneurysms and dissections. Identifiers: Orphanet 91387, MedGen C4707243, MONDO:0019625.
Ehlers-Danlos syndrome, type 4 (EDSVASC). Also called: Ehlers-Danlos syndrome vascular type; Ehlers Danlos syndrome, ecchymotic type; Ehlers Danlos syndrome, arterial type; Ehlers Danlos syndrome, Sack-Barabas type; Ehlers-Danlos Syndrome Type IV. Identifiers: Orphanet 286, MedGen C0268338, MONDO:0017314, OMIM 130050.

Allele frequency attached by ClinVar (database versions not stated): gnomAD 0.00001 and 0.00002; TOPMed 0.00002; ExAC 0.00003; gnomAD exomes 0.00003; ESP Exome Variant Server 0.00015; 1000 Genomes Project 30x 0.00016; 1000 Genomes Project 0.00020.
gnomAD v4.1: 36 of 1,613,292 alleles (0.0022%); highest among the groups gnomAD compares: Admixed American, 0.0067%; no homozygotes.

Submissions (9):

Labcorp Genetics (formerly Invitae), Labcorp
Classification: Uncertain significance for Ehlers-Danlos syndrome, type 4. Last evaluated: 2025-11-04. Review status: criteria provided, single submitter. Criteria: Invitae Variant Classification Sherloc (09022015). Collection method: clinical testing. Allele origin: germline.
Comment: This sequence change affects codon 869 of the COL3A1 mRNA. It is a 'silent' change, meaning that it does not change the encoded amino acid sequence of the COL3A1 protein. It affects a nucleotide within the consensus splice site. This variant is present in population databases (rs376643618, gnomAD 0.009%). This variant has not been reported in the literature in individuals affected with COL3A1-related conditions. ClinVar contains an entry for this variant (Variation ID: 263465). Algorithms developed to predict the effect of sequence changes on RNA splicing suggest that this variant is not likely to affect RNA splicing. In summary, the available evidence is currently insufficient to determine the role of this variant in disease. Therefore, it has been classified as a Variant of Uncertain Significance.

Women's Health and Genetics/Laboratory Corporation of America, LabCorp
Classification: Benign. Last evaluated: 2024-01-16. Review status: criteria provided, single submitter. Criteria: LabCorp Variant Classification Summary - May 2015. Collection method: clinical testing. Allele origin: germline.
Comment: Variant summary: COL3A1 c.2607T>A (p.Pro869Pro) alters a non-conserved nucleotide located close to a canonical splice site, specifically the last nucleotide of exon 37, and therefore could affect mRNA splicing, leading to a significantly altered protein sequence. Consensus agreement among computation tools predict no significant impact on normal splicing. However, these predictions have yet to be confirmed by functional studies. The variant allele was found at a frequency of 2.2e-05 in 1613292 control chromosomes (i.e., 36 alleles, no homozygotes; gnomAD v4.0.0). The observed variant frequency is approximately 18 fold of the estimated maximal expected allele frequency for a pathogenic variant in COL3A1 causing Aortopathy phenotype (1.3e-06), strongly suggesting that the variant is benign. c.2607T>A has been reported in the literature in at least one individual affected with breast cancer (e.g., Gomez-Flores-Ramos_2022), however without strong evidence for causality. These report(s) do not provide unequivocal conclusions about association of the variant with Aortopathy. To our knowledge, no experimental evidence demonstrating its impact on protein function have been reported. The following publication was ascertained in the context of this evaluation (PMID: 35406420). ClinVar contains an entry for this variant (Variation ID: 263465). Based on the evidence outlined above, the variant was classified as benign.

All of Us Research Program, National Institutes of Health
Classification: Likely benign for Ehlers-Danlos syndrome, type 4. Last evaluated: 2023-12-01. Review status: criteria provided, single submitter. Criteria: ACMG Guidelines, 2015. Collection method: clinical testing. Allele origin: germline. Inheritance: Autosomal dominant inheritance. Observed: 10 variant alleles, 10 heterozygotes.
Comment: This study involves interpretation of variants in research participants for the purpose of population health screening. Participant phenotype was not available at the time of variant classification. Additional details can be found in publication PMID: 35346344, PMCID: PMC8962531

Color Diagnostics, LLC DBA Color Health
Classification: Likely benign for Familial thoracic aortic aneurysm and aortic dissection. Last evaluated: 2022-09-23. Review status: criteria provided, single submitter. Criteria: ACMG Guidelines, 2015. Collection method: clinical testing. Allele origin: germline.

Ambry Genetics
Classification: Benign for Familial thoracic aortic aneurysm and aortic dissection. Last evaluated: 2022-05-26. Review status: criteria provided, single submitter. Criteria: Ambry Variant Classification Scheme 2023. Collection method: clinical testing. Allele origin: germline.

Laboratorio de Genetica e Diagnostico Molecular, Hospital Israelita Albert Einstein
Classification: Uncertain significance. Last evaluated: 2021-09-08. Review status: criteria provided, single submitter. Criteria: ACMG Guidelines, 2015. Collection method: clinical testing. Allele origin: germline. Affected: yes.

Center for Genomics, Ann and Robert H. Lurie Children's Hospital of Chicago
Classification: Uncertain significance for Ehlers-Danlos syndrome, type 4. Last evaluated: 2021-06-04. Review status: criteria provided, single submitter. Criteria: ACMG Guidelines, 2015. Collection method: clinical testing. Allele origin: germline.
Comment: COL3A1 NM_000090.3 exon 37 p.Pro869= (c.2607T>A): This variant has not been reported in the literature but is present in 0.002% (2/68028) of European alleles in the Genome Aggregation Database. This variant is present in ClinVar (Variation ID:263465). Evolutionary conservation and computational predictive tools for this variant are limited or unavailable. Of note, this variant is a silent variant and does not change the amino acid, reducing the probability that this variant is disease causing. Despite its position at the intron/exon juction, computational prediction tools do not suggest that it alters splicing. However, further studies are needed to understand its impact. In summary, data on this variant is insufficient for disease classification. Therefore, the clinical significance of this variant is uncertain.

GeneDx
Classification: Likely benign. Last evaluated: 2018-02-13. Review status: criteria provided, single submitter. Criteria: GeneDx Variant Classification (06012015). Collection method: clinical testing. Allele origin: germline. Affected: yes.
Comment: This variant is considered likely benign or benign based on one or more of the following criteria: it is a conservative change, it occurs at a poorly conserved position in the protein, it is predicted to be benign by multiple in silico algorithms, and/or has population frequency not consistent with disease.

Center for Pediatric Genomic Medicine, Children's Mercy Hospital and Clinics
Classification: Uncertain significance. Last evaluated: 2016-11-10. Review status: criteria provided, single submitter. Criteria: ACMG Guidelines, 2015. Collection method: clinical testing. Allele origin: germline.
ClinVar note: Converted during submission from Uncertain Significance to Uncertain significance.

Literature cited by the submitters: PubMed 35406420 (cited by Women's Health and Genetics/Laboratory Corporation of America, LabCorp).